The following is an entry in ClinVar:

NM_012418.4(FSCN2):c.1180T>G (p.Cys394Gly)

Gene: FSCN2 (fascin actin-bundling protein 2, retinal; plus strand). Cytogenetic location: 17q25.3.
Variant type: single nucleotide variant.
Coding change: c.1180T>G on transcript NM_012418.4 (MANE Select); coding-DNA position 1180, T replaced by G.
Protein change: p.Cys394Gly; replaces cysteine 394 with glycine.
Molecular consequence: missense variant.
Genome position (GRCh38, 1-based): chr17:81,536,696, T>G. VCF-style: chr17-81536696-T-G. GRCh37 (hg19) VCF-style: chr17-79503722-T-G.
Other names: c.1252T>G, p.Cys418Gly (NM_001077182.3); short protein forms C418G, C394G.
Identifiers: ClinVar variation 2073399 (VCV002073399.4), dbSNP rs2544454504, ClinGen allele CA401477974.

ClinVar aggregate classification (germline): Uncertain significance (1 of 4 stars; one submission).

Submission:

Labcorp Genetics (formerly Invitae), Labcorp
Classification: Uncertain significance. Last evaluated: 2024-10-29. Review status: criteria provided, single submitter. Criteria: Invitae Variant Classification Sherloc (09022015). Collection method: clinical testing. Allele origin: germline.
Comment: This sequence change replaces cysteine, which is neutral and slightly polar, with glycine, which is neutral and non-polar, at codon 418 of the FSCN2 protein (p.Cys418Gly). This variant is not present in population databases (gnomAD no frequency). This variant has not been reported in the literature in individuals affected with FSCN2-related conditions. ClinVar contains an entry for this variant (Variation ID: 2073399). An algorithm developed to predict the effect of missense changes on protein structure and function outputs the following: PolyPhen-2: "Benign". The glycine amino acid residue is found in multiple mammalian species, which suggests that this missense change does not adversely affect protein function. In summary, the available evidence is currently insufficient to determine the role of this variant in disease. Therefore, it has been classified as a Variant of Uncertain Significance.